The following is an entry in ClinVar:

ClinVar aggregate classification (germline): Uncertain significance (1 of 4 stars; one submission).

Conditions:
Brugada syndrome. Also called: Sudden unexpected nocturnal death syndrome; Sudden Unexplained Death Syndrome; Sudden Unexplained Nocturnal Death Syndrome (SUNDS); Sudden unexplained nocturnal death syndrome. Identifiers: Orphanet 130, MedGen C1142166, MONDO:0015263.

Allele frequency attached by ClinVar (database versions not stated): gnomAD 0.00001; gnomAD exomes 0.00001; TOPMed 0.00001.
gnomAD v4.1: 16 of 1,604,818 alleles (0.001%); highest among the groups gnomAD compares: Non-Finnish European, 0.0014%; no homozygotes.

Submission:

Labcorp Genetics (formerly Invitae), Labcorp
Classification: Uncertain significance for Brugada syndrome. Last evaluated: 2024-10-30. Review status: criteria provided, single submitter. Criteria: Invitae Variant Classification Sherloc (09022015). Collection method: clinical testing. Allele origin: germline.
Comment: This sequence change falls in intron 11 of the SLMAP gene. It does not directly change the encoded amino acid sequence of the SLMAP protein. It affects a nucleotide within the consensus splice site. This variant is not present in population databases (gnomAD no frequency). This variant has not been reported in the literature in individuals affected with SLMAP-related conditions. ClinVar contains an entry for this variant (Variation ID: 998431). Variants that disrupt the consensus splice site are a relatively common cause of aberrant splicing (PMID: 17576681, 9536098). Algorithms developed to predict the effect of sequence changes on RNA splicing suggest that this variant may disrupt the consensus splice site. In summary, the available evidence is currently insufficient to determine the role of this variant in disease. Therefore, it has been classified as a Variant of Uncertain Significance.

Literature cited by the submitters: PubMed 17576681; PubMed 9536098.

NM_001377540.1(SLMAP):c.1300+4A>G

Gene: SLMAP (sarcolemma associated protein; plus strand). Cytogenetic location: 3p14.3.
Variant type: single nucleotide variant.
Coding change: c.1300+4A>G on transcript NM_001377540.1 (MANE Select); 4 bases into the intron after coding-DNA position 1300, A replaced by G.
Molecular consequence: intron variant.
Genome position (GRCh38, 1-based): chr3:57,871,702, A>G. VCF-style: chr3-57871702-A-G. GRCh37 (hg19) VCF-style: chr3-57857429-A-G.
Other names: c.1300+4A>G (NM_001377538.1, NM_001377539.1, NM_001377555.1); c.1237+6410A>G (NM_001377545.1, NM_001377922.1); c.1249+4A>G (NM_001377541.1, NM_001304420.3, NM_001377562.1 and 2 more transcripts); c.1186+6845A>G (NM_001377552.1, NM_001377551.1, NM_001377924.1); c.1198+4A>G (NM_001377549.1, NM_007159.5, NM_001377923.1); c.1135+6986A>G (NM_001377559.1, NM_001377557.1, NM_001377925.1 and 1 more transcripts).
Identifiers: ClinVar variation 998431 (VCV000998431.5), dbSNP rs1317261965, ClinGen allele CA908628524.
Genomic context (GRCh38, chr3:57,871,702, plus strand): 5'-TGCTTTCAAAGAGTGGCGGGGACTGCACTTTTATTCATCAATTCATAGAATGCCAGAGTG[A>G]GTACAGAGTATTTTTCACATTGATTTTAATGAAGTCAGGGGCTAAAACTTAAAAGTGAGA-3'